The following is an entry in ClinVar:

NM_001367624.2(ZNF469):c.3128G>T (p.Gly1043Val)

Genes: ZNF469 (zinc finger protein 469; plus strand), LOC130059718 (ATAC-STARR-seq lymphoblastoid silent region 7847; plus strand). Cytogenetic location: 16q24.2.
Variant type: single nucleotide variant.
Coding change: c.3128G>T on transcript NM_001367624.2 (MANE Select); coding-DNA position 3128, G replaced by T.
Protein change: p.Gly1043Val; replaces glycine 1043 with valine.
Molecular consequence: missense variant.
Genome position (GRCh38, 1-based): chr16:88,430,598, G>T. VCF-style: chr16-88430598-G-T. GRCh37 (hg19) VCF-style: chr16-88497006-G-T.
Other names: NM_001127464.1:c.3128G>T; NM_001127464.2:c.3128G>T; short protein forms G1043V.
Identifiers: ClinVar variation 1211457 (VCV001211457.16), dbSNP rs990424312, ClinGen allele CA286374505.

ClinVar aggregate classification (germline): Uncertain significance. Review status: criteria provided, multiple submitters, no conflicts (2 of 4 stars). 5 submissions from 5 submitters: Uncertain significance (5). Last evaluated 2026-02-03.

Conditions:
ZNF469-related disorder. Also called: ZNF469-related condition.
Cardiovascular phenotype. Identifiers: MedGen CN230736.

Allele frequency attached by ClinVar (database versions not stated): gnomAD exomes 0.00002 and 0.00011; TOPMed 0.00004; gnomAD 0.00005 and 0.00006.
gnomAD v4.1: 144 of 1,500,480 alleles (0.0096%); highest among the groups gnomAD compares: Non-Finnish European, 0.013%; no homozygotes.

Submissions (5):

Women's Health and Genetics/Laboratory Corporation of America, LabCorp
Classification: Uncertain significance. Last evaluated: 2026-02-03. Review status: criteria provided, single submitter. Criteria: LabCorp Variant Classification Summary - May 2015. Collection method: clinical testing. Allele origin: germline.
Comment: Variant summary: ZNF469 c.3128G>T (p.Gly1043Val) results in a non-conservative amino acid change in the encoded protein sequence. Algorithms developed to predict the effect of missense changes on protein structure and function are either unavailable or do not agree on the potential impact of this missense change. The variant allele was found at a frequency of 2e-05 in 101254 control chromosomes. The available data on variant occurrences in the general population are insufficient to allow any conclusion about variant significance. To our knowledge, no occurrence of c.3128G>T in individuals affected with ZNF469-related conditions and no experimental evidence demonstrating its impact on protein function have been reported. ClinVar contains an entry for this variant (Variation ID: 1211457). Based on the evidence outlined above, the variant was classified as uncertain significance.

Ambry Genetics
Classification: Uncertain significance for Cardiovascular phenotype. Last evaluated: 2025-02-22. Review status: criteria provided, single submitter. Criteria: Ambry Variant Classification Scheme 2023. Collection method: clinical testing. Allele origin: germline.

PreventionGenetics, part of Exact Sciences
Classification: Uncertain significance for ZNF469-related condition. Last evaluated: 2023-02-27. Review status: criteria provided, single submitter. Criteria: ACMG Guidelines, 2015. Collection method: clinical testing. Allele origin: germline.
Comment: The ZNF469 c.3128G>T variant is predicted to result in the amino acid substitution p.Gly1043Val. To our knowledge, this variant has not been reported in the literature. This variant is reported in 0.0057% of alleles in individuals of European (Non-Finnish) descent in gnomAD. At this time, the clinical significance of this variant is uncertain due to the absence of conclusive functional and genetic evidence.

Labcorp Genetics (formerly Invitae), Labcorp
Classification: Uncertain significance. Last evaluated: 2022-02-11. Review status: criteria provided, single submitter. Criteria: Invitae Variant Classification Sherloc (09022015). Collection method: clinical testing. Allele origin: germline.
Comment: This sequence change replaces glycine, which is neutral and non-polar, with valine, which is neutral and non-polar, at codon 1043 of the ZNF469 protein (p.Gly1043Val). This variant is present in population databases (no rsID available, gnomAD 0.005%). This variant has not been reported in the literature in individuals affected with ZNF469-related conditions. ClinVar contains an entry for this variant (Variation ID: 1211457). Algorithms developed to predict the effect of missense changes on protein structure and function are either unavailable or do not agree on the potential impact of this missense change (SIFT: "Deleterious"; PolyPhen-2: "Possibly Damaging"; Align-GVGD: "Class C0"). Algorithms developed to predict the effect of sequence changes on RNA splicing suggest that this variant may create or strengthen a splice site. In summary, the available evidence is currently insufficient to determine the role of this variant in disease. Therefore, it has been classified as a Variant of Uncertain Significance.

GeneDx
Classification: Uncertain significance. Last evaluated: 2021-11-18. Review status: criteria provided, single submitter. Criteria: GeneDx Variant Classification Process June 2021. Collection method: clinical testing. Allele origin: germline. Affected: yes.
Comment: Has not been previously published as pathogenic or benign to our knowledge; Not observed at a significant frequency in large population cohorts (Lek et al., 2016); In silico analysis supports that this missense variant has a deleterious effect on protein structure/function